The following is an entry in ClinVar:

NM_001291303.3(FAT4):c.14000T>C (p.Met4667Thr)

Gene: FAT4 (FAT atypical cadherin 4; plus strand). Cytogenetic location: 4q28.1.
Variant type: single nucleotide variant.
Coding change: c.14000T>C on transcript NM_001291303.3 (MANE Select); coding-DNA position 14000, T replaced by C.
Protein change: p.Met4667Thr; replaces methionine 4667 with threonine.
Molecular consequence: missense variant.
Genome position (GRCh38, 1-based): chr4:125,490,816, T>C. VCF-style: chr4-125490816-T-C. GRCh37 (hg19) VCF-style: chr4-126411971-T-C.
Other names: c.13994T>C, p.Met4665Thr (NM_024582.6); c.13997T>C, p.Met4666Thr (NM_001291285.3); short protein forms M4667T, M4665T, M4666T.
Identifiers: ClinVar variation 1955206 (VCV001955206.5), dbSNP rs377437035, ClinGen allele CA3074489.

ClinVar aggregate classification (germline): Uncertain significance (1 of 4 stars; one submission).

Allele frequency attached by ClinVar (database versions not stated): ExAC 0.00001; gnomAD 0.00001; TOPMed 0.00001; gnomAD exomes 0.00003; ESP Exome Variant Server 0.00008.
gnomAD v4.1: 48 of 1,614,034 alleles (0.003%); highest among the groups gnomAD compares: Non-Finnish European, 0.0038%; no homozygotes.

Submission:

Labcorp Genetics (formerly Invitae), Labcorp
Classification: Uncertain significance. Last evaluated: 2023-10-13. Review status: criteria provided, single submitter. Criteria: Invitae Variant Classification Sherloc (09022015). Collection method: clinical testing. Allele origin: germline.
Comment: This sequence change replaces methionine, which is neutral and non-polar, with threonine, which is neutral and polar, at codon 4665 of the FAT4 protein (p.Met4665Thr). This variant is present in population databases (rs377437035, gnomAD 0.007%). This variant has not been reported in the literature in individuals affected with FAT4-related conditions. ClinVar contains an entry for this variant (Variation ID: 1955206). Advanced modeling of protein sequence and biophysical properties (such as structural, functional, and spatial information, amino acid conservation, physicochemical variation, residue mobility, and thermodynamic stability) performed at Invitae indicates that this missense variant is not expected to disrupt FAT4 protein function. In summary, the available evidence is currently insufficient to determine the role of this variant in disease. Therefore, it has been classified as a Variant of Uncertain Significance.